The following is an entry in ClinVar:

NM_182931.3(KMT2E):c.5255C>T (p.Ser1752Leu)

Gene: KMT2E (lysine methyltransferase 2E (inactive); plus strand). Cytogenetic location: 7q22.3.
Variant type: single nucleotide variant.
Coding change: c.5255C>T on transcript NM_182931.3 (MANE Select); coding-DNA position 5255, C replaced by T.
Protein change: p.Ser1752Leu; replaces serine 1752 with leucine.
Molecular consequence: missense variant.
Genome position (GRCh38, 1-based): chr7:105,113,011, C>T. VCF-style: chr7-105113011-C-T. GRCh37 (hg19) VCF-style: chr7-104753458-C-T.
Other names: c.5129C>T, p.Ser1710Leu (NM_001410908.1); c.5255C>T, p.Ser1752Leu (NM_018682.4); short protein forms S1710L, S1752L.
Identifiers: ClinVar variation 3680955 (VCV003680955.2).

ClinVar aggregate classification (germline): Uncertain significance (1 of 4 stars; one submission).

gnomAD v4.1: 5 of 1,613,944 alleles (0.00031%); highest among the groups gnomAD compares: South Asian, 0.0022%; no homozygotes.

Submission:

Labcorp Genetics (formerly Invitae), Labcorp
Classification: Uncertain significance. Last evaluated: 2025-02-24. Review status: criteria provided, single submitter. Criteria: Invitae Variant Classification Sherloc (09022015). Collection method: clinical testing. Allele origin: germline.
Comment: This sequence change replaces serine, which is neutral and polar, with leucine, which is neutral and non-polar, at codon 1752 of the KMT2E protein (p.Ser1752Leu). This variant is present in population databases (rs759758589, gnomAD 0.006%). This variant has not been reported in the literature in individuals affected with KMT2E-related conditions. An algorithm developed to predict the effect of missense changes on protein structure and function (PolyPhen-2) suggests that this variant is likely to be tolerated. In summary, the available evidence is currently insufficient to determine the role of this variant in disease. Therefore, it has been classified as a Variant of Uncertain Significance.